The following is an entry in ClinVar:

NM_020207.7(ERCC6L2):c.139A>C (p.Asn47His)

Gene: ERCC6L2 (ERCC excision repair 6 like 2; plus strand). Cytogenetic location: 9q22.32.
Variant type: single nucleotide variant.
Coding change: c.139A>C on transcript NM_020207.7 (MANE Select); coding-DNA position 139, A replaced by C.
Protein change: p.Asn47His; replaces asparagine 47 with histidine.
Molecular consequence: missense variant. On other transcripts: non-coding transcript variant (1).
Genome position (GRCh38, 1-based): chr9:95,880,961, A>C. VCF-style: chr9-95880961-A-C. GRCh37 (hg19) VCF-style: chr9-98643243-A-C.
Other names: c.139A>C, p.Asn47His (NM_001010895.4, NM_001375291.1, NM_001375292.1 and 2 more transcripts); short protein forms N47H.
Identifiers: ClinVar variation 4618699 (VCV004618699.1).

ClinVar aggregate classification (germline): Uncertain significance (1 of 4 stars; one submission).

Conditions:
Inborn genetic diseases. Identifiers: MedGen C0950123, MeSH D030342.

Submission:

Ambry Genetics
Classification: Uncertain significance for Inborn genetic diseases. Last evaluated: 2025-09-17. Review status: criteria provided, single submitter. Criteria: Ambry Variant Classification Scheme 2023. Collection method: clinical testing. Allele origin: germline.
Comment: The p.N47H variant (also known as c.139A>C), located in coding exon 2 of the ERCC6L2 gene, results from an A to C substitution at nucleotide position 139. The asparagine at codon 47 is replaced by histidine, an amino acid with similar properties. This amino acid position is conserved. In addition, this alteration is predicted to be tolerated by in silico analysis. Based on the available evidence, the clinical significance of this variant remains unclear.